The following is an entry in ClinVar:

NM_000400.4(ERCC2):c.38C>T (p.Pro13Leu)

Gene: ERCC2 (ERCC excision repair 2, TFIIH core complex helicase subunit; minus strand). Cytogenetic location: 19q13.32.
Variant type: single nucleotide variant.
Coding change: c.38C>T on transcript NM_000400.4 (MANE Select); coding-DNA position 38, C replaced by T.
Protein change: p.Pro13Leu; replaces proline 13 with leucine.
Molecular consequence: missense variant. On other transcripts: 5 prime UTR variant (1).
Genome position (GRCh38, 1-based): chr19:45,370,200, G>A on the plus strand (C>T on the coding strand, the complement: ERCC2 is on the minus strand). VCF-style: chr19-45370200-G-A. GRCh37 (hg19) VCF-style: chr19-45873458-G-A.
Other names: c.-35C>T (NM_001130867.2); short protein forms P13L.
Identifiers: ClinVar variation 3276234 (VCV003276234.1).

ClinVar aggregate classification (germline): Uncertain significance (1 of 4 stars; one submission).

Conditions:
Inborn genetic diseases. Identifiers: MedGen C0950123, MeSH D030342.

Submission:

Ambry Genetics
Classification: Uncertain significance for Inborn genetic diseases. Last evaluated: 2024-05-18. Review status: criteria provided, single submitter. Criteria: Ambry Variant Classification Scheme 2023. Collection method: clinical testing. Allele origin: germline.
Comment: The p.P13L variant (also known as c.38C>T), located in coding exon 2 of the ERCC2 gene, results from a C to T substitution at nucleotide position 38. The proline at codon 13 is replaced by leucine, an amino acid with similar properties. This amino acid position is conserved. In addition, this alteration is predicted to be deleterious by in silico analysis. Based on the available evidence, the clinical significance of this variant remains unclear.